The following is an entry in ClinVar:

ClinVar aggregate classification (germline): Likely benign. Review status: criteria provided, multiple submitters, no conflicts (2 of 4 stars). 3 submissions from 3 submitters: Likely benign (2). 1 of the submissions does not count toward it. Last evaluated 2025-06-23.

Conditions:
Hereditary cancer-predisposing syndrome. Also called: Tumor predisposition; Hereditary neoplastic syndrome; Neoplastic Syndromes, Hereditary; Hereditary Cancer Syndrome. Identifiers: Orphanet 140162, MedGen C0027672, MeSH D009386, MONDO:0015356.
Gorlin syndrome. Also called: Nevoid Basal Cell Carcinoma Syndrome; Basal cell nevus syndrome. Identifiers: Orphanet 377, MedGen C0004779, MONDO:0007187.
PTCH1-related disorder. Also called: PTCH1-related disorders; PTCH1-related condition.

Allele frequency attached by ClinVar (database versions not stated): gnomAD exomes 0.00001; ExAC 0.00002.

Submissions (3):

Labcorp Genetics (formerly Invitae), Labcorp
Classification: Likely benign for Gorlin syndrome. Last evaluated: 2025-06-23. Review status: criteria provided, single submitter. Criteria: Invitae Variant Classification Sherloc (09022015). Collection method: clinical testing. Allele origin: germline.

Ambry Genetics
Classification: Likely benign for Hereditary cancer-predisposing syndrome. Last evaluated: 2022-02-10. Review status: criteria provided, single submitter. Criteria: Ambry Variant Classification Scheme 2023. Collection method: clinical testing. Allele origin: germline.

PreventionGenetics, part of Exact Sciences
Classification: Likely benign for PTCH1-related condition. Last evaluated: 2021-02-26. Review status: no assertion criteria provided. Collection method: clinical testing. Allele origin: germline. Not counted in ClinVar's aggregate classification.
Comment: This variant is classified as likely benign based on ACMG/AMP sequence variant interpretation guidelines (Richards et al. 2015 PMID: 25741868, with internal and published modifications).

NM_000264.5(PTCH1):c.2469C>T (p.His823=)

Genes: PTCH1 (patched 1; minus strand), LOC100507346 (uncharacterized LOC100507346; plus strand). Cytogenetic location: 9q22.32.
Variant type: single nucleotide variant.
Coding change: c.2469C>T on transcript NM_000264.5 (MANE Select); coding-DNA position 2469, C replaced by T.
Protein change: p.His823=; no amino-acid change (histidine 823 retained).
Molecular consequence: synonymous variant. On other transcripts: non-coding transcript variant (2).
Genome position (GRCh38, 1-based): chr9:95,467,207, G>A on the plus strand (C>T on the coding strand, the complement: PTCH1 is on the minus strand). VCF-style: chr9-95467207-G-A. GRCh37 (hg19) VCF-style: chr9-98229489-G-A.
Other names: c.2271C>T, p.His757= (NM_001083602.3); c.2466C>T, p.His822= (NM_001083603.3); c.2016C>T, p.His672= (NM_001083604.3, NM_001083605.3, NM_001083606.3 and 1 more transcripts); c.2313C>T, p.His771= (NM_001354918.2).
Identifiers: ClinVar variation 221048 (VCV000221048.15), dbSNP rs761707282, ClinGen allele CA349534.